The following is an entry in ClinVar:

ClinVar aggregate classification (germline): Uncertain significance (1 of 4 stars; one submission).

Conditions:
Emery-Dreifuss muscular dystrophy 4, autosomal dominant (EDMD4). Also called: EMERY-DREIFUSS MUSCULAR DYSTROPHY 4 WITH VARIABLE FEATURES. Identifiers: Orphanet 261, MedGen C2751807, MONDO:0013071, OMIM 612998.
Autosomal recessive ataxia, Beauce type. Also called: SYNE1-Related Autosomal Recessive Cerebellar Ataxia; Spinocerebellar ataxia, autosomal recessive 8; ATAXIA, RECESSIVE, OF BEAUCE; SYNE1 Deficiency. Identifiers: Orphanet 88644, MedGen C1853116, MONDO:0012549, OMIM 610743.

Allele frequency attached by ClinVar (database versions not stated): gnomAD exomes below 0.00001 and 0.00002; ExAC 0.00002.
gnomAD v4.1: 4 of 1,613,822 alleles (0.00025%); highest among the groups gnomAD compares: East Asian, 0.0067%; no homozygotes.

Submission:

Labcorp Genetics (formerly Invitae), Labcorp
Classification: Uncertain significance for Emery-Dreifuss muscular dystrophy 4, autosomal dominant; Autosomal recessive ataxia, Beauce type. Last evaluated: 2021-09-01. Review status: criteria provided, single submitter. Criteria: Invitae Variant Classification Sherloc (09022015). Collection method: clinical testing. Allele origin: germline.
Comment: This sequence change replaces asparagine with serine at codon 294 of the SYNE1 protein (p.Asn294Ser). The asparagine residue is weakly conserved and there is a small physicochemical difference between asparagine and serine. This variant is present in population databases (rs781096163, ExAC 0.01%). This variant has not been reported in the literature in individuals affected with SYNE1-related conditions. Algorithms developed to predict the effect of missense changes on protein structure and function output the following: SIFT: "Tolerated"; PolyPhen-2: "Benign"; Align-GVGD: "Class C0". The serine amino acid residue is found in multiple mammalian species, which suggests that this missense change does not adversely affect protein function. Algorithms developed to predict the effect of sequence changes on RNA splicing suggest that this variant may create or strengthen a splice site. In summary, the available evidence is currently insufficient to determine the role of this variant in disease. Therefore, it has been classified as a Variant of Uncertain Significance.

NM_182961.4(SYNE1):c.860A>G (p.Asn287Ser)

Gene: SYNE1 (spectrin repeat containing nuclear envelope protein 1; minus strand). Cytogenetic location: 6q25.2.
Variant type: single nucleotide variant.
Coding change: c.860A>G on transcript NM_182961.4 (MANE Select); coding-DNA position 860, A replaced by G.
Protein change: p.Asn287Ser; replaces asparagine 287 with serine.
Molecular consequence: missense variant.
Genome position (GRCh38, 1-based): chr6:152,502,661, T>C on the plus strand (A>G on the coding strand, the complement: SYNE1 is on the minus strand). VCF-style: chr6-152502661-T-C. GRCh37 (hg19) VCF-style: chr6-152823796-T-C.
Other names: c.881A>G, p.Asn294Ser (NM_033071.5); short protein forms N287S, N294S.
Identifiers: ClinVar variation 1397787 (VCV001397787.5), dbSNP rs781096163, ClinGen allele CA4059605.